The following is an entry in ClinVar:

NM_001197104.2(KMT2A):c.2198A>G (p.Asn733Ser)

Gene: KMT2A (lysine methyltransferase 2A; plus strand). Cytogenetic location: 11q23.3.
Variant type: single nucleotide variant.
Coding change: c.2198A>G on transcript NM_001197104.2 (MANE Select); coding-DNA position 2198, A replaced by G.
Protein change: p.Asn733Ser; replaces asparagine 733 with serine.
Molecular consequence: missense variant.
Genome position (GRCh38, 1-based): chr11:118,473,357, A>G. VCF-style: chr11-118473357-A-G. GRCh37 (hg19) VCF-style: chr11-118344072-A-G.
Other names: c.2198A>G, p.Asn733Ser (NM_005933.4); short protein forms N733S.
Identifiers: ClinVar variation 1304298 (VCV001304298.9), dbSNP rs1555036397, ClinGen allele CA382813483.

ClinVar aggregate classification (germline): Conflicting classifications of pathogenicity. Review status: criteria provided, conflicting classifications (1 of 4 stars). 3 submissions from 3 submitters: Uncertain significance (2); Likely benign (1). Last evaluated 2025-07-03.

Conditions:
Wiedemann-Steiner syndrome (WDSTS). Also called: Growth deficiency and mental retardation with facial dysmorphism. Identifiers: Orphanet 319182, MedGen C1854630, MONDO:0011518, OMIM 605130.

Submissions (3):

Labcorp Genetics (formerly Invitae), Labcorp
Classification: Uncertain significance. Last evaluated: 2025-07-03. Review status: criteria provided, single submitter. Criteria: Invitae Variant Classification Sherloc (09022015). Collection method: clinical testing. Allele origin: germline.
Comment: This sequence change replaces asparagine, which is neutral and polar, with serine, which is neutral and polar, at codon 733 of the KMT2A protein (p.Asn733Ser). This variant is not present in population databases (gnomAD no frequency). This variant has not been reported in the literature in individuals affected with KMT2A-related conditions. ClinVar contains an entry for this variant (Variation ID: 1304298). Invitae Evidence Modeling of protein sequence and biophysical properties (such as structural, functional, and spatial information, amino acid conservation, physicochemical variation, residue mobility, and thermodynamic stability) indicates that this missense variant is not expected to disrupt KMT2A protein function with a negative predictive value of 95%. In summary, the available evidence is currently insufficient to determine the role of this variant in disease. Therefore, it has been classified as a Variant of Uncertain Significance.

3billion
Classification: Likely benign for Wiedemann-Steiner syndrome. Last evaluated: 2024-09-20. Review status: criteria provided, single submitter. Criteria: ACMG Guidelines, 2015. Collection method: clinical testing. Allele origin: germline. Affected: no.
Comment: The variant was identified in at least one patient who was diagnosed with a different variant in another gene and showed no symptoms related to the gene containing the variant in question.

GeneDx
Classification: Uncertain significance. Last evaluated: 2021-06-07. Review status: criteria provided, single submitter. Criteria: GeneDx Variant Classification Process June 2021. Collection method: clinical testing. Allele origin: germline. Affected: yes.
Comment: Not observed at significant frequency in large population cohorts (Lek et al., 2016); In silico analysis supports that this missense variant does not alter protein structure/function; Has not been previously published as pathogenic or benign to our knowledge; This variant is associated with the following publications: (PMID: 27535533)